The following is an entry in ClinVar:

NM_020634.3(GDF3):c.91C>T (p.Gln31Ter)

Gene: GDF3 (growth differentiation factor 3; minus strand). Cytogenetic location: 12p13.31.
Variant type: single nucleotide variant.
Coding change: c.91C>T on transcript NM_020634.3 (MANE Select); coding-DNA position 91, C replaced by T.
Protein change: p.Gln31Ter; replaces glutamine 31 with a stop codon.
Molecular consequence: nonsense.
Genome position (GRCh38, 1-based): chr12:7,695,638, G>A on the plus strand (C>T on the coding strand, the complement: GDF3 is on the minus strand). VCF-style: chr12-7695638-G-A. GRCh37 (hg19) VCF-style: chr12-7848234-G-A.
Other names: short protein forms Q31*.
Identifiers: ClinVar variation 5020233 (VCV005020233.1).

ClinVar aggregate classification (germline): Uncertain significance (1 of 4 stars; one submission).

Submission:

Dasa
Classification: Uncertain significance. Last evaluated: 2026-07-06. Review status: criteria provided, single submitter. Criteria: DASA Assertion Criteria. Collection method: clinical testing. Allele origin: germline.
Comment: NM_020634.3(GDF3):c.91C>T (p.Gln31*) is a nonsense variant in GDF3 predicted to introduce a premature termination codon. This variant is rare in population databases. The currently available literature and clinical evidence are not sufficient to establish a definitive association between this variant and the reported condition. Therefore, this variant is classified as a variant of uncertain significance.